The following is an entry in ClinVar:

NM_152564.5(VPS13B):c.2902C>T (p.Pro968Ser)

Gene: VPS13B (vacuolar protein sorting 13 homolog B; plus strand). Cytogenetic location: 8q22.2.
Variant type: single nucleotide variant.
Coding change: c.2902C>T on transcript NM_152564.5 (MANE Select); coding-DNA position 2902, C replaced by T.
Protein change: p.Pro968Ser; replaces proline 968 with serine.
Molecular consequence: missense variant.
Genome position (GRCh38, 1-based): chr8:99,384,285, C>T. VCF-style: chr8-99384285-C-T. GRCh37 (hg19) VCF-style: chr8-100396513-C-T.
Other names: c.2902C>T, p.Pro968Ser (NM_017890.5); short protein forms P968S.
Identifiers: ClinVar variation 3713158 (VCV003713158.2).

ClinVar aggregate classification (germline): Uncertain significance (1 of 4 stars; one submission).

Conditions:
Cohen syndrome (COH1). Also called: PEPPER SYNDROME; Cutis verticis gyrata, retinitis pigmentosa, and sensorineural deafness. Identifiers: Orphanet 193, MedGen C0265223, MONDO:0008999, OMIM 216550.

Submission:

Labcorp Genetics (formerly Invitae), Labcorp
Classification: Uncertain significance for Cohen syndrome. Last evaluated: 2024-12-14. Review status: criteria provided, single submitter. Criteria: Invitae Variant Classification Sherloc (09022015). Collection method: clinical testing. Allele origin: germline.
Comment: This sequence change replaces proline, which is neutral and non-polar, with serine, which is neutral and polar, at codon 968 of the VPS13B protein (p.Pro968Ser). This variant is not present in population databases (gnomAD no frequency). This variant has not been reported in the literature in individuals affected with VPS13B-related conditions. Invitae Evidence Modeling of protein sequence and biophysical properties (such as structural, functional, and spatial information, amino acid conservation, physicochemical variation, residue mobility, and thermodynamic stability) indicates that this missense variant is expected to disrupt VPS13B protein function with a positive predictive value of 80%. In summary, the available evidence is currently insufficient to determine the role of this variant in disease. Therefore, it has been classified as a Variant of Uncertain Significance.